The following is an entry in ClinVar:

ClinVar aggregate classification (germline): Benign/Likely benign. Review status: criteria provided, multiple submitters, no conflicts (2 of 4 stars). 2 submissions from 2 submitters: Benign (1); Likely benign (1). Last evaluated 2026-07-29.

Conditions:
Hereditary pheochromocytoma and paraganglioma. Also called: Hereditary pheochromocytoma-paraganglioma; Hereditary Paraganglioma-Pheochromocytoma Syndromes; Hereditary paragangliomas and pheochromocytomas. Identifiers: Orphanet 29072, MedGen C4274332, MONDO:0017366.
Hereditary cancer-predisposing syndrome. Also called: Tumor predisposition; Hereditary neoplastic syndrome; Hereditary Cancer Syndrome; Neoplastic Syndromes, Hereditary. Identifiers: Orphanet 140162, MedGen C0027672, MeSH D009386, MONDO:0015356.

Submissions (2):

Myriad Genetics, Inc.
Classification: Benign for Hereditary pheochromocytoma and paraganglioma. Last evaluated: 2026-07-29. Review status: criteria provided, single submitter. Criteria: Myriad Autosomal Dominant, Autosomal Recessive and X-Linked Classification Criteria (2023). Collection method: clinical testing. Allele origin: unknown.
Comment: This variant is considered benign. This variant is a silent/synonymous amino acid change and it is not expected to impact splicing.

Ambry Genetics
Classification: Likely benign for Hereditary cancer-predisposing syndrome. Last evaluated: 2024-02-02. Review status: criteria provided, single submitter. Criteria: Ambry Variant Classification Scheme 2023. Collection method: clinical testing. Allele origin: germline.

NM_017849.4(TMEM127):c.84G>A (p.Glu28=)

Genes: TMEM127 (transmembrane protein 127; minus strand), LOC129934333 (ATAC-STARR-seq lymphoblastoid silent region 11759; plus strand). Cytogenetic location: 2q11.2.
Variant type: single nucleotide variant.
Coding change: c.84G>A on transcript NM_017849.4 (MANE Select); coding-DNA position 84, G replaced by A.
Protein change: p.Glu28=; no amino-acid change (glutamic acid 28 retained).
Molecular consequence: synonymous variant. On other transcripts: intron variant (1).
Genome position (GRCh38, 1-based): chr2:96,265,298, C>T on the plus strand (G>A on the coding strand, the complement: TMEM127 is on the minus strand). VCF-style: chr2-96265298-C-T. GRCh37 (hg19) VCF-style: chr2-96931036-C-T.
Other names: c.84G>A, p.Glu28= (NM_001193304.3); c.-9+571G>A (NM_001407283.1).
Identifiers: ClinVar variation 3227096 (VCV003227096.2), dbSNP rs2467285853, ClinGen allele CA427496406.